The following is an entry in ClinVar:

ClinVar aggregate classification (germline): Likely benign (1 of 4 stars; one submission).

Conditions:
Hemochromatosis type 4 (HFE4). Also called: HEMOCHROMATOSIS DUE TO DEFECT IN FERROPORTIN; HEMOCHROMATOSIS, AUTOSOMAL DOMINANT; Ferroportin disease. Identifiers: Orphanet 139491, Orphanet 647834, Orphanet 648562, MedGen C1853733, MONDO:0011631, OMIM 606069.

Allele frequency attached by ClinVar (database versions not stated): ExAC 0.00002; TOPMed below 0.00001.
gnomAD v4.1: 21 of 1,613,112 alleles (0.0013%); highest among the groups gnomAD compares: Non-Finnish European, 0.0018%; no homozygotes.

Submission:

Illumina Laboratory Services, Illumina
Classification: Likely benign for Hemochromatosis type 4. Last evaluated: 2018-01-13. Review status: criteria provided, single submitter. Criteria: ICSL Variant Classification Criteria 13 December 2019. Collection method: clinical testing. Allele origin: germline.
Comment: This variant was observed in the ICSL laboratory as part of a predisposition screen in an ostensibly healthy population. It had not been previously curated by ICSL or reported in the Human Gene Mutation Database (HGMD: prior to June 1st, 2018), and was therefore a candidate for classification through an automated scoring system. Utilizing variant allele frequency, disease prevalence and penetrance estimates, and inheritance mode, an automated score was calculated to assess if this variant is too frequent to cause the disease. Based on the score and internal cut-off values, a variant classified as likely benign is not then subjected to further curation. The score for this variant resulted in a classification of likely benign for this disease.

NM_014585.6(SLC40A1):c.-14G>C

Gene: SLC40A1 (solute carrier family 40 member 1; minus strand). Cytogenetic location: 2q32.2.
Variant type: single nucleotide variant.
Coding change: c.-14G>C on transcript NM_014585.6 (MANE Select); 14 bases upstream of the start codon, G replaced by C.
Molecular consequence: 5 prime UTR variant.
Genome position (GRCh38, 1-based): chr2:189,580,474, C>G on the plus strand (G>C on the coding strand, the complement: SLC40A1 is on the minus strand). VCF-style: chr2-189580474-C-G. GRCh37 (hg19) VCF-style: chr2-190445200-C-G.
Identifiers: ClinVar variation 333174 (VCV000333174.5), dbSNP rs773977347, ClinGen allele CA2024347.
Genomic context (GRCh38, chr2:189,580,474, plus strand): 5'-TCACCACAGCATCCTCTCTGGCGGTTGTGATCTCCCGCCCTGGTCATGACACTAGGCGAC[C>G]CCGCTGGCTCTTCTGCGGCTGCTATCGCTGCTGCTGCTCTCGCTGAGGTGCTTGTTAACA-3'